The following is an entry in ClinVar:

NM_016203.4(PRKAG2):c.860T>A (p.Leu287Ter)

Gene: PRKAG2 (protein kinase AMP-activated non-catalytic subunit gamma 2; minus strand). Cytogenetic location: 7q36.1.
Variant type: single nucleotide variant.
Coding change: c.860T>A on transcript NM_016203.4 (MANE Select); coding-DNA position 860, T replaced by A.
Protein change: p.Leu287Ter; replaces leucine 287 with a stop codon.
Molecular consequence: nonsense.
Genome position (GRCh38, 1-based): chr7:151,595,349, A>T on the plus strand (T>A on the coding strand, the complement: PRKAG2 is on the minus strand). VCF-style: chr7-151595349-A-T. GRCh37 (hg19) VCF-style: chr7-151292435-A-T.
Other names: c.728T>A, p.Leu243Ter (NM_001040633.2, NM_001407024.1); c.485T>A, p.Leu162Ter (NM_001304527.2, NM_001407029.1); c.137T>A, p.Leu46Ter (NM_001304531.2, NM_001407034.1, NM_001407035.1 and 1 more transcripts); c.488T>A, p.Leu163Ter (NM_001363698.2, NM_001407028.1); c.860T>A, p.Leu287Ter (NM_001407021.1); c.857T>A, p.Leu286Ter (NM_001407022.1, NM_001407023.1); c.725T>A, p.Leu242Ter (NM_001407026.1, NM_001407027.1); c.572T>A, p.Leu191Ter (NM_001407030.1); and 6 more; short protein forms L162*, L190*, L46*, L45*, L179*, L191*, L242*, L286*.
Identifiers: ClinVar variation 3656198 (VCV003656198.2).

ClinVar aggregate classification (germline): Uncertain significance (1 of 4 stars; one submission).

Conditions:
Lethal congenital glycogen storage disease of heart. Also called: PHOSPHORYLASE KINASE DEFICIENCY OF HEART; GLYCOGEN STORAGE DISEASE OF HEART. Identifiers: Orphanet 439854, MedGen C1849813, MONDO:0009867, OMIM 261740.

Submission:

Labcorp Genetics (formerly Invitae), Labcorp
Classification: Uncertain significance for Lethal congenital glycogen storage disease of heart. Last evaluated: 2024-06-11. Review status: criteria provided, single submitter. Criteria: Invitae Variant Classification Sherloc (09022015). Collection method: clinical testing. Allele origin: germline.
Comment: This sequence change creates a premature translational stop signal (p.Leu287*) in the PRKAG2 gene. It is expected to result in an absent or disrupted protein product. However, the current clinical and genetic evidence is not sufficient to establish whether loss-of-function variants in PRKAG2 cause disease. This variant is not present in population databases (gnomAD no frequency). This variant has not been reported in the literature in individuals affected with PRKAG2-related conditions. In summary, the available evidence is currently insufficient to determine the role of this variant in disease. Therefore, it has been classified as a Variant of Uncertain Significance.